The following is an entry in ClinVar:

ClinVar aggregate classification (germline): Pathogenic (1 of 4 stars; one submission).

Conditions:
Hereditary cancer-predisposing syndrome. Also called: Neoplastic Syndromes, Hereditary; Tumor predisposition; Hereditary Cancer Syndrome; Hereditary neoplastic syndrome. Identifiers: Orphanet 140162, MedGen C0027672, MeSH D009386, MONDO:0015356.

Submission:

Ambry Genetics
Classification: Pathogenic for Hereditary cancer-predisposing syndrome. Last evaluated: 2024-12-20. Review status: criteria provided, single submitter. Criteria: Ambry Variant Classification Scheme 2023. Collection method: clinical testing. Allele origin: germline.
Comment: The c.7264delG pathogenic mutation, located in coding exon 48 of the ATM gene, results from a deletion of one nucleotide at nucleotide position 7264, causing a translational frameshift with a predicted alternate stop codon (p.E2422Rfs*3). This variant is considered to be rare based on population cohorts in the Genome Aggregation Database (gnomAD). This alteration is expected to result in loss of function by premature protein truncation or nonsense-mediated mRNA decay. As such, this alteration is interpreted as a disease-causing mutation.

NM_000051.4(ATM):c.7264del (p.Glu2422fs)

Genes: ATM (ATM serine/threonine kinase; plus strand), C11orf65 (chromosome 11 open reading frame 65; minus strand). Cytogenetic location: 11q22.3.
Variant type: Deletion.
Coding change: c.7264del on transcript NM_000051.4 (MANE Select); coding-DNA position 7264, one base deleted (G; older notation c.7264delG).
Protein change: p.Glu2422fs; shifts the reading frame from glutamic acid 2422.
Molecular consequence: frameshift variant. On other transcripts: intron variant (2).
Genome position (GRCh38, 1-based): chr11:108,329,195, G deleted. VCF-style (leftmost placement, unchanged base first): chr11-108329194-AG-A. GRCh37 (hg19) VCF-style: chr11-108199921-AG-A.
Other names: c.7264del, p.Glu2422fs (NM_001351834.2); c.641-20124del (NM_001330368.2); c.*38+6025del (NM_001351110.2); short protein forms E2422fs.
Identifiers: ClinVar variation 3801103 (VCV003801103.1).